The following is an entry in ClinVar:

ClinVar aggregate classification (germline): Likely pathogenic (1 of 4 stars; one submission).

Conditions:
Ataxia-telangiectasia-like disorder 1 (ATLD1). Identifiers: Orphanet 251347, MedGen C4012790, MONDO:0024557, OMIM 604391.

Submission:

Molecular Diagnostic Laboratory, Beijing Chigene Translational Medicine Research Center
Classification: Likely pathogenic for Ataxia-telangiectasia-like disorder 1. Last evaluated: 2026-11-02. Review status: criteria provided, single submitter. Criteria: ACMG Guidelines, 2015. Collection method: clinical testing. Allele origin: germline. Affected: yes.
Comment: This c.431delT variant is a nonsense variant predicted to result in a premature stop codon (p.(L144*) [p.(Leu144Ter)], NM_005591.4), which most likely leads to nonsense‑mediated mRNA decay and protein truncation. Loss‑of‑function variants in the MRE11 gene are well‑established to be pathogenic (PMID: 10612394, 23912341, 24733832) (PVS1). This variant is absent from population databases including gnomAD (PM2_supporting). In summary, the currently available evidence indicates that this variant is Likely Pathogenic.

Literature cited by the submitters: PubMed 32720330.

NM_005591.4(MRE11):c.431del (p.Ile143_Leu144insTer)

Gene: MRE11 (MRE11 double strand break repair nuclease; minus strand). Cytogenetic location: 11q21.
Variant type: Deletion.
Coding change: c.431del on transcript NM_005591.4 (MANE Select); coding-DNA position 431, one base deleted (T; older notation c.431delT).
Protein change: p.Ile143_Leu144insTer.
Molecular consequence: nonsense. On other transcripts: 5 prime UTR variant (3), intron variant (3).
Genome position (GRCh38, 1-based): chr11:94,478,848, A deleted on the plus strand (T on the coding strand, the reverse complement: MRE11 is on the minus strand); the first of 4 consecutive A bases (chr11:94,478,848-94,478,851); deleting any one gives the same sequence. VCF-style (leftmost placement, unchanged base first): chr11-94478847-TA-T. GRCh37 (hg19) VCF-style: chr11-94212013-TA-T.
Other names: c.431del, p.Ile143_Leu144insTer (NM_001330347.2, NM_001440460.1, NM_001440461.1 and 18 more transcripts); c.356del, p.Ile118_Leu119insTer (NM_001440471.1, NM_001440472.1, NM_001440479.1); c.-38del (NM_001440485.1, NM_001440486.1, NM_001440487.1); c.314+7076del (NM_001440483.1, NM_001440484.1, NM_001440482.1); c.431delT (NM_005591.4).
Identifiers: ClinVar variation 5042059 (VCV005042059.1).